The following is an entry in ClinVar:

ClinVar aggregate classification (germline): Uncertain significance (0 of 4 stars; one submission).

Conditions:
PAK1-related disorder. Also called: PAK1-related condition.

Submission:

PreventionGenetics, part of Exact Sciences
Classification: Uncertain significance for PAK1-related condition. Last evaluated: 2024-01-05. Review status: no assertion criteria provided. Collection method: clinical testing. Allele origin: germline.
Comment: The PAK1 c.1226delG variant is predicted to result in a frameshift and premature protein termination (p.Gly409Aspfs*6). To our knowledge, this variant has not been reported in the literature or in a large population database, indicating this variant is rare. To date, there is no truncating variants of this gene documented in Human Gene Mutation Database and the role of this type of variants is unknown. At this time, the clinical significance of this variant is uncertain due to the absence of conclusive functional and genetic evidence.

NM_002576.5(PAK1):c.1226del (p.Gly409fs)

Gene: PAK1 (p21 (RAC1) activated kinase 1; minus strand). Cytogenetic location: 11q13.5.
Variant type: Deletion.
Coding change: c.1226del on transcript NM_002576.5 (MANE Select); coding-DNA position 1226, one base deleted (G; older notation c.1226delG).
Protein change: p.Gly409fs; shifts the reading frame from glycine 409.
Molecular consequence: frameshift variant. On other transcripts: non-coding transcript variant (2), intron variant (2).
Genome position (GRCh38, 1-based): chr11:77,336,273, C deleted on the plus strand (G on the coding strand, the reverse complement: PAK1 is on the minus strand); the first of 2 consecutive C bases (chr11:77,336,273-77,336,274); deleting either gives the same sequence. VCF-style (leftmost placement, unchanged base first): chr11-77336272-TC-T. GRCh37 (hg19) VCF-style: chr11-77047317-TC-T.
Other names: c.1226del, p.Gly409fs (NM_001128620.2, NM_001376268.1, NM_001376269.1 and 21 more transcripts); c.1247del, p.Gly416fs (NM_001376272.1); c.1217del, p.Gly406fs (NM_001376294.1); c.1049del, p.Gly350fs (NM_001376295.1); c.977del, p.Gly326fs (NM_001376301.1); c.932del, p.Gly311fs (NM_001376302.1, NM_001376304.1, NM_001376305.1); c.938del, p.Gly313fs (NM_001376303.1); c.1117-14del (NM_001376290.1, NM_001376291.1); short protein forms G311fs, G313fs, G326fs, G350fs, G406fs, G409fs, G416fs.
Identifiers: ClinVar variation 3061513 (VCV003061513.2), dbSNP rs2539946677, ClinGen allele CA2740093150.